The following is an entry in ClinVar:

ClinVar aggregate classification (germline): Uncertain significance (1 of 4 stars; one submission).

Conditions:
Congenital sideroblastic anemia-B-cell immunodeficiency-periodic fever-developmental delay syndrome. Also called: Sideroblastic anemia with B-cell immunodeficiency, periodic fevers, and developmental delay. Identifiers: Orphanet 369861, MedGen C4015172, MONDO:0014487, OMIM 616084.

Submission:

Labcorp Genetics (formerly Invitae), Labcorp
Classification: Uncertain significance for Sideroblastic anemia with B-cell immunodeficiency, periodic fevers, and developmental delay. Last evaluated: 2018-09-19. Review status: criteria provided, single submitter. Criteria: Invitae Variant Classification Sherloc (09022015). Collection method: clinical testing. Allele origin: germline.
Comment: This sequence change falls in intron 2 of the TRNT1 gene. It does not directly change the encoded amino acid sequence of the TRNT1 protein, but it affects a nucleotide within the consensus splice site of the intron. This variant is not present in population databases (ExAC no frequency). This variant has not been reported in the literature in individuals with TRNT1-related disease. Nucleotide substitutions within the consensus splice site are a relatively common cause of aberrant splicing (PMID: 17576681, 9536098). Algorithms developed to predict the effect of sequence changes on RNA splicing suggest that this variant is not likely to affect RNA splicing, but this prediction has not been confirmed by published transcriptional studies. In summary, the available evidence is currently insufficient to determine the role of this variant in disease. Therefore, it has been classified as a Variant of Uncertain Significance.

NM_182916.3(TRNT1):c.148+3G>A

Gene: TRNT1 (tRNA nucleotidyl transferase 1; plus strand). Cytogenetic location: 3p26.2.
Variant type: single nucleotide variant.
Coding change: c.148+3G>A on transcript NM_182916.3 (MANE Select); 3 bases into the intron after coding-DNA position 148, G replaced by A.
Molecular consequence: intron variant.
Genome position (GRCh38, 1-based): chr3:3,129,191, G>A. VCF-style: chr3-3129191-G-A. GRCh37 (hg19) VCF-style: chr3-3170875-G-A.
Other names: c.148+3G>A (LRG_1314t1, NM_001367321.1, NM_001367323.1 and 2 more transcripts).
Identifiers: ClinVar variation 654838 (VCV000654838.1), dbSNP rs1575035691, ClinGen allele CA915941801.